The following is an entry in ClinVar:

NM_015450.3(POT1):c.1679T>A (p.Met560Lys)

Gene: POT1 (protection of telomeres 1; minus strand). Cytogenetic location: 7q31.33.
Variant type: single nucleotide variant.
Coding change: c.1679T>A on transcript NM_015450.3 (MANE Select); coding-DNA position 1679, T replaced by A.
Protein change: p.Met560Lys; replaces methionine 560 with lysine.
Molecular consequence: missense variant. On other transcripts: non-coding transcript variant (3).
Genome position (GRCh38, 1-based): chr7:124,827,221, A>T on the plus strand (T>A on the coding strand, the complement: POT1 is on the minus strand). VCF-style: chr7-124827221-A-T. GRCh37 (hg19) VCF-style: chr7-124467275-A-T.
Other names: c.1286T>A, p.Met429Lys (NM_001042594.2); short protein forms M429K, M560K.
Identifiers: ClinVar variation 4673445 (VCV004673445.1).

ClinVar aggregate classification (germline): Uncertain significance (1 of 4 stars; one submission).

Conditions:
Hereditary cancer-predisposing syndrome. Also called: Neoplastic Syndromes, Hereditary; Tumor predisposition; Hereditary Cancer Syndrome; Hereditary neoplastic syndrome. Identifiers: Orphanet 140162, MedGen C0027672, MeSH D009386, MONDO:0015356.

Submission:

Ambry Genetics
Classification: Uncertain significance for Hereditary cancer-predisposing syndrome. Last evaluated: 2025-09-22. Review status: criteria provided, single submitter. Criteria: Ambry Variant Classification Scheme 2023. Collection method: clinical testing. Allele origin: germline.
Comment: The p.M560K variant (also known as c.1679T>A), located in coding exon 13 of the POT1 gene, results from a T to A substitution at nucleotide position 1679. The methionine at codon 560 is replaced by lysine, an amino acid with similar properties. This amino acid position is conserved. In addition, this alteration is predicted to be tolerated by in silico analysis. Based on the available evidence, the clinical significance of this variant remains unclear.